The following is an entry in ClinVar:

NM_006231.4(POLE):c.2902C>T (p.Leu968Phe)

Gene: POLE (DNA polymerase epsilon, catalytic subunit; minus strand). Cytogenetic location: 12q24.33.
Variant type: single nucleotide variant.
Coding change: c.2902C>T on transcript NM_006231.4 (MANE Select); coding-DNA position 2902, C replaced by T.
Protein change: p.Leu968Phe; replaces leucine 968 with phenylalanine.
Molecular consequence: missense variant.
Genome position (GRCh38, 1-based): chr12:132,661,127, G>A on the plus strand (C>T on the coding strand, the complement: POLE is on the minus strand). VCF-style: chr12-132661127-G-A. GRCh37 (hg19) VCF-style: chr12-133237713-G-A.
Other names: short protein forms L968F.
Identifiers: ClinVar variation 1001243 (VCV001001243.8), dbSNP rs2042671015, ClinGen allele CA387392784.
Genomic context (GRCh38, chr12:132,661,127, plus strand): 5'-AGGATTGGAAGATCTTAATCAGCTGCAGTTCCCCGCGGCGTTTGACCTCAAAGCCCTTGA[G>A]CTCAGCCAGAGAACCGTCTTCATTGAACACAGCATACCTGAAAAAAAAAAAAAAGGCAAG-3'
Protein context (NP_006222.2, residues 958-978): VFNEDGSLAE[Leu968Phe]KGFEVKRRGE

ClinVar aggregate classification (germline): Uncertain significance (1 of 4 stars; one submission).

Submission:

Labcorp Genetics (formerly Invitae), Labcorp
Classification: Uncertain significance. Last evaluated: 2020-06-15. Review status: criteria provided, single submitter. Criteria: Invitae Variant Classification Sherloc (09022015). Collection method: clinical testing. Allele origin: germline.
Comment: This variant is not present in population databases (ExAC no frequency). This sequence change replaces leucine with phenylalanine at codon 968 of the POLE protein (p.Leu968Phe). The leucine residue is highly conserved and there is a small physicochemical difference between leucine and phenylalanine. This variant has not been reported in the literature in individuals with POLE-related conditions. Algorithms developed to predict the effect of missense changes on protein structure and function are either unavailable or do not agree on the potential impact of this missense change (SIFT: "Deleterious"; PolyPhen-2: "Probably Damaging"; Align-GVGD: "Class C0"). In summary, the available evidence is currently insufficient to determine the role of this variant in disease. Therefore, it has been classified as a Variant of Uncertain Significance.